The following is an entry in ClinVar:

NM_005391.5(PDK3):c.293G>A (p.Ser98Asn)

Gene: PDK3 (pyruvate dehydrogenase kinase 3; plus strand). Cytogenetic location: Xp22.11.
Variant type: single nucleotide variant.
Coding change: c.293G>A on transcript NM_005391.5 (MANE Select); coding-DNA position 293, G replaced by A.
Protein change: p.Ser98Asn; replaces serine 98 with asparagine.
Molecular consequence: missense variant.
Genome position (GRCh38, 1-based): chrX:24,498,873, G>A. VCF-style: chrX-24498873-G-A. GRCh37 (hg19) VCF-style: chrX-24516990-G-A.
Other names: c.293G>A, p.Ser98Asn (NM_001142386.3); c.293G>A (NM_001142386.2); short protein forms S98N.
Identifiers: ClinVar variation 1957529 (VCV001957529.6), dbSNP rs2518577013, ClinGen allele CA412604547.

ClinVar aggregate classification (germline): Uncertain significance. Review status: criteria provided, multiple submitters, no conflicts (2 of 4 stars). 2 submissions from 2 submitters: Uncertain significance (2). Last evaluated 2024-05-02.

Conditions:
Charcot-Marie-Tooth disease X-linked dominant 6. Also called: CHARCOT-MARIE-TOOTH NEUROPATHY, X-LINKED DOMINANT, 6. Identifiers: Orphanet 352675, MedGen C3806702, MONDO:0010479, OMIM 300905.

Allele frequency attached by ClinVar (database versions not stated): gnomAD exomes below 0.00001.
gnomAD v4.1: 1 of 1,146,477 alleles (0.000087%); highest among the groups gnomAD compares: South Asian, 0.002%; no homozygotes.

Submissions (2):

Ambry Genetics
Classification: Uncertain significance. Last evaluated: 2024-05-02. Review status: criteria provided, single submitter. Criteria: Ambry Variant Classification Scheme 2023. Collection method: clinical testing. Allele origin: germline.

Labcorp Genetics (formerly Invitae), Labcorp
Classification: Uncertain significance for Charcot-Marie-Tooth disease X-linked dominant 6. Last evaluated: 2023-05-22. Review status: criteria provided, single submitter. Criteria: Invitae Variant Classification Sherloc (09022015). Collection method: clinical testing. Allele origin: germline.
Comment: In summary, the available evidence is currently insufficient to determine the role of this variant in disease. Therefore, it has been classified as a Variant of Uncertain Significance. Advanced modeling of protein sequence and biophysical properties (such as structural, functional, and spatial information, amino acid conservation, physicochemical variation, residue mobility, and thermodynamic stability) performed at Invitae indicates that this missense variant is not expected to disrupt PDK3 protein function. ClinVar contains an entry for this variant (Variation ID: 1957529). This variant has not been reported in the literature in individuals affected with PDK3-related conditions. This variant is not present in population databases (gnomAD no frequency). This sequence change replaces serine, which is neutral and polar, with asparagine, which is neutral and polar, at codon 98 of the PDK3 protein (p.Ser98Asn).